The following is an entry in ClinVar:

ClinVar aggregate classification (germline): Uncertain significance. Review status: criteria provided, multiple submitters, no conflicts (2 of 4 stars). 2 submissions from 2 submitters: Uncertain significance (2). Last evaluated 2023-11-05.

Conditions:
Multiple endocrine neoplasia, type 1 (MEN1). Also called: MEN I; WERMER SYNDROME; Endocrine adenomatosis multiple; MEN 1; MEA I. Identifiers: Orphanet 652, MedGen C0025267, MeSH D018761, MONDO:0007540, OMIM 131100.
Hereditary cancer-predisposing syndrome. Also called: Hereditary Cancer Syndrome; Hereditary neoplastic syndrome; Neoplastic Syndromes, Hereditary; Tumor predisposition. Identifiers: Orphanet 140162, MedGen C0027672, MeSH D009386, MONDO:0015356.

Submissions (2):

Labcorp Genetics (formerly Invitae), Labcorp
Classification: Uncertain significance for Multiple endocrine neoplasia, type 1. Last evaluated: 2023-11-05. Review status: criteria provided, single submitter. Criteria: Invitae Variant Classification Sherloc (09022015). Collection method: clinical testing. Allele origin: germline.
Comment: This variant, c.1798_1803del, results in the deletion of 2 amino acid(s) of the MEN1 protein (p.Leu600_Ser601del), but otherwise preserves the integrity of the reading frame. This variant is not present in population databases (gnomAD no frequency). This variant has not been reported in the literature in individuals affected with MEN1-related conditions. Experimental studies and prediction algorithms are not available or were not evaluated, and the functional significance of this variant is currently unknown. In summary, the available evidence is currently insufficient to determine the role of this variant in disease. Therefore, it has been classified as a Variant of Uncertain Significance.

Ambry Genetics
Classification: Uncertain significance for Hereditary cancer-predisposing syndrome. Last evaluated: 2023-10-16. Review status: criteria provided, single submitter. Criteria: Ambry Variant Classification Scheme 2023. Collection method: clinical testing. Allele origin: germline.
Comment: The c.1798_1803delCTGTCT variant (also known as p.L600_S601del) is located in coding exon 9 of the MEN1 gene. This variant results from an in-frame CTGTCT deletion at nucleotide positions 1798 to 1803. This results in the in-frame deletion of leucine and serine at codons 600 and 601. This amino acid region is not well conserved in available vertebrate species. In addition, the in silico prediction for this alteration is inconclusive (Choi Y et al. PLoS ONE. 2012; 7(10):e46688). Since supporting evidence is limited at this time, the clinical significance of this alteration remains unclear.

NM_001370259.2(MEN1):c.1798_1803del (p.Leu600_Ser601del)

Gene: MEN1 (menin 1; minus strand). Cytogenetic location: 11q13.1.
Variant type: Deletion.
Coding change: c.1798_1803del on transcript NM_001370259.2 (MANE Select); coding-DNA positions 1798 to 1803, 6 bases deleted (CTGTCT; older notation c.1798_1803delCTGTCT).
Protein change: p.Leu600_Ser601del.
Molecular consequence: inframe deletion. On other transcripts: non-coding transcript variant (4).
Genome position (GRCh38, 1-based): chr11:64,804,364-64,804,369, AGACAG deleted on the plus strand (CTGTCT on the coding strand, the reverse complement: MEN1 is on the minus strand); deleting any 6 consecutive bases within chr11:64,804,364-64,804,371 gives the same sequence; the c. name uses the placement nearest the transcript's 3' end. VCF-style (leftmost placement, unchanged base first): chr11-64804363-AAGACAG-A. GRCh37 (hg19) VCF-style: chr11-64571835-AAGACAG-A.
Other names: c.1798_1803delCTGTCT (NM_130799.2); c.1813_1818del, p.Leu605_Ser606del (NM_000244.4, NM_001407145.1, NM_130800.3 and 4 more transcripts); c.1924_1929del, p.Leu642_Ser643del (NM_001370251.2, NM_001407142.1, NM_001407143.1 and 1 more transcripts); c.1798_1803del, p.Leu600_Ser601del (NM_001370260.2, NM_001370261.2, NM_001407146.1 and 2 more transcripts); c.1693_1698del, p.Leu565_Ser566del (NM_001370262.2, NM_001370263.2, NM_001407148.1 and 1 more transcripts); c.1939_1944del, p.Leu647_Ser648del (NM_001407150.1); c.1819_1824del, p.Leu607_Ser608del (NM_001407151.1); c.1633_1638del, p.Leu545_Ser546del (NM_001407152.1).
Identifiers: ClinVar variation 2693380 (VCV002693380.4), dbSNP rs2497098998, ClinGen allele CA2697548651.